The following is an entry in ClinVar:

ClinVar aggregate classification (germline): Benign. Review status: criteria provided, multiple submitters, no conflicts (2 of 4 stars). 14 submissions from 14 submitters: Benign (13). 1 of the submissions does not count toward it. Last evaluated 2026-02-04.

Conditions:
Hereditary cancer-predisposing syndrome. Also called: Tumor predisposition; Hereditary neoplastic syndrome; Hereditary Cancer Syndrome; Neoplastic Syndromes, Hereditary. Identifiers: Orphanet 140162, MedGen C0027672, MeSH D009386, MONDO:0015356.
Neuroblastoma, susceptibility to, 3. Also called: ALK-Related Neuroblastic Tumor Susceptibility. Identifiers: Orphanet 635, MedGen C2751681, MONDO:0013083, OMIM 613014.

Allele frequency attached by ClinVar (database versions not stated): 1000 Genomes Project 30x 0.77202; 1000 Genomes Project 0.77656; TOPMed 0.78450; ESP Exome Variant Server 0.79094; gnomAD 0.79300 and 0.79958; gnomAD exomes 0.90493.
gnomAD v4.1: 1,443,420 of 1,613,924 alleles (89%); highest among the groups gnomAD compares: Non-Finnish European, 92%; 651,853 homozygotes.

Submissions (14):

Labcorp Genetics (formerly Invitae), Labcorp
Classification: Benign for Neuroblastoma, susceptibility to, 3. Last evaluated: 2026-02-04. Review status: criteria provided, single submitter. Criteria: Invitae Variant Classification Sherloc (09022015). Collection method: clinical testing. Allele origin: germline.

ARUP Laboratories, Molecular Genetics and Genomics, ARUP Laboratories
Classification: Benign for Neuroblastoma, susceptibility to, 3. Last evaluated: 2025-07-30. Review status: criteria provided, single submitter. Criteria: ARUP Molecular Germline Variant Investigation Process 2024. Collection method: clinical testing. Allele origin: germline.

Blueprint Genetics
Classification: Benign. Last evaluated: 2024-11-26. Review status: criteria provided, single submitter. Criteria: ACMG Guidelines, 2015. Collection method: clinical testing. Allele origin: germline.

KCCC/NGS Laboratory, Kuwait Cancer Control Center
Classification: Benign for Neuroblastoma, susceptibility to, 3. Last evaluated: 2023-07-07. Review status: criteria provided, single submitter. Criteria: ACMG Guidelines, 2015. Collection method: clinical testing. Allele origin: germline. Affected: yes.

Mayo Clinic Laboratories, Mayo Clinic
Classification: Benign. Last evaluated: 2022-03-03. Review status: criteria provided, single submitter. Criteria: ACMG Guidelines, 2015. Collection method: clinical testing. Allele origin: germline. Observed: 264 variant alleles.

Illumina Laboratory Services, Illumina
Classification: Benign for Neuroblastoma, susceptibility to, 3. Last evaluated: 2018-01-12. Review status: criteria provided, single submitter. Criteria: ICSL Variant Classification Criteria 13 December 2019. Collection method: clinical testing. Allele origin: germline.
Comment: This variant was observed in the ICSL laboratory as part of a predisposition screen in an ostensibly healthy population. It had not been previously curated by ICSL or reported in the Human Gene Mutation Database (HGMD: prior to June 1st, 2018), and was therefore a candidate for classification through an automated scoring system. Utilizing variant allele frequency, disease prevalence and penetrance estimates, and inheritance mode, an automated score was calculated to assess if this variant is too frequent to cause the disease. Based on the score and internal cut-off values, a variant classified as benign is not then subjected to further curation. The score for this variant resulted in a classification of benign for this disease.

Ambry Genetics
Classification: Benign for Hereditary cancer-predisposing syndrome. Last evaluated: 2016-12-08. Review status: criteria provided, single submitter. Criteria: Ambry Variant Classification Scheme 2023. Collection method: clinical testing. Allele origin: germline.

Women's Health and Genetics/Laboratory Corporation of America, LabCorp
Classification: Benign. Last evaluated: 2016-04-27. Review status: criteria provided, single submitter. Criteria: LabCorp Variant Classification Summary - May 2015. Collection method: clinical testing. Allele origin: germline.
Comment: Variant summary: The c.1500A>G variant affects a non-conserved nucleotide, resulting in no amino acid change. One in-silico tool predicts polymorphism outcome for this variant. This variant is found in 105818/121402 control chromosomes (46888 homozygotes) at a frequency of 0.8716331, which is about 2091919 times of the maximal expected frequency of a pathogenic allele (0.0000004), suggesting this variant to be the ancestral allele; therefore it is classified as Benign.

Laboratory for Molecular Medicine, Mass General Brigham Personalized Medicine
Classification: Benign. Last evaluated: 2016-03-29. Review status: criteria provided, single submitter. Criteria: LMM Criteria. Collection method: clinical testing. Allele origin: germline.
Comment: Variant identified in a genome or exome case(s) and assessed due to predicted null impact of the variant or pathogenic assertions in the literature or databases. Disclaimer: This variant has not undergone full assessment. The following are preliminary notes: Frequency

GeneDx
Classification: Benign. Last evaluated: 2016-03-02. Review status: criteria provided, single submitter. Criteria: GeneDx Variant Classification (06012015). Collection method: clinical testing. Allele origin: germline. Affected: yes.
Comment: This variant is considered likely benign or benign based on one or more of the following criteria: it is a conservative change, it occurs at a poorly conserved position in the protein, it is predicted to be benign by multiple in silico algorithms, and/or has population frequency not consistent with disease.

Clinical Genetics DNA and cytogenetics Diagnostics Lab, Erasmus MC, Erasmus Medical Center
Classification: Benign for Neuroblastoma, susceptibility to, 3. Last evaluated: 2015-09-21. Review status: criteria provided, single submitter. Criteria: ACGS Guidelines, 2013. Collection method: clinical testing. Allele origin: germline. Affected: yes. Study: VKGL Data-share Consensus.

Breakthrough Genomics
Classification: Benign. Review status: criteria provided, single submitter. Criteria: ACMG Guidelines, 2015. Collection method: not provided. Allele origin: germline. Inheritance: Unknown mechanism. Affected: yes.

PreventionGenetics, part of Exact Sciences
Classification: Benign. Review status: criteria provided, single submitter. Criteria: ACMG Guidelines, 2015. Collection method: clinical testing. Allele origin: germline.

Diagnostic Laboratory, Department of Genetics, University Medical Center Groningen
Classification: Benign for Neuroblastoma, susceptibility to, 3. Review status: no assertion criteria provided. Collection method: clinical testing. Allele origin: germline. Affected: yes. Study: VKGL Data-share Consensus. Not counted in ClinVar's aggregate classification.

NM_004304.5(ALK):c.1500A>G (p.Gln500=)

Gene: ALK (ALK receptor tyrosine kinase; minus strand). Cytogenetic location: 2p23.2.
Variant type: single nucleotide variant.
Coding change: c.1500A>G on transcript NM_004304.5 (MANE Select); coding-DNA position 1500, A replaced by G.
Protein change: p.Gln500=; no amino-acid change (glutamine 500 retained).
Molecular consequence: synonymous variant.
Genome position (GRCh38, 1-based): chr2:29,320,797, T>C on the plus strand (A>G on the coding strand, the complement: ALK is on the minus strand). VCF-style: chr2-29320797-T-C. GRCh37 (hg19) VCF-style: chr2-29543663-T-C.
Other names: p.Gln500=.
Identifiers: ClinVar variation 259266 (VCV000259266.38), dbSNP rs2293564, ClinGen allele CA1594637.